The following is an entry in ClinVar:

ClinVar aggregate classification (germline): Uncertain significance (1 of 4 stars; one submission).

Submission:

GeneDx
Classification: Uncertain significance. Last evaluated: 2020-01-07. Review status: criteria provided, single submitter. Criteria: GeneDx Variant Classification Process June 2021. Collection method: clinical testing. Allele origin: germline. Affected: yes.
Comment: Not observed in large population cohorts (Lek et al., 2016); In silico analysis, which includes protein predictors and evolutionary conservation, supports a deleterious effect; Has not been previously published as pathogenic or benign to our knowledge

NM_001321075.3(DLG4):c.1996A>C (p.Thr666Pro)

Gene: DLG4 (discs large MAGUK scaffold protein 4; minus strand). Cytogenetic location: 17p13.1.
Variant type: single nucleotide variant.
Coding change: c.1996A>C on transcript NM_001321075.3 (MANE Select); coding-DNA position 1996, A replaced by C.
Protein change: p.Thr666Pro; replaces threonine 666 with proline.
Molecular consequence: missense variant. On other transcripts: non-coding transcript variant (1).
Genome position (GRCh38, 1-based): chr17:7,191,339, T>G on the plus strand (A>C on the coding strand, the complement: DLG4 is on the minus strand). VCF-style: chr17-7191339-T-G. GRCh37 (hg19) VCF-style: chr17-7094658-T-G.
Other names: c.1987A>C, p.Thr663Pro (NM_001128827.4); c.2116A>C, p.Thr706Pro (NM_001321074.1); c.1816A>C, p.Thr606Pro (NM_001321076.3, NM_001321077.3); c.2125A>C, p.Thr709Pro (NM_001365.5); c.1915A>C, p.Thr639Pro (NM_001369566.3); short protein forms T606P, T639P, T663P, T666P, T706P, T709P.
Identifiers: ClinVar variation 1311939 (VCV001311939.2), dbSNP rs2142808740, ClinGen allele CA397714272.